The following is an entry in ClinVar:

ClinVar aggregate classification (germline): Pathogenic (1 of 4 stars; one submission).

Submission:

Labcorp Genetics (formerly Invitae), Labcorp
Classification: Pathogenic. Last evaluated: 2025-03-31. Review status: criteria provided, single submitter. Criteria: Invitae Variant Classification Sherloc (09022015). Collection method: clinical testing. Allele origin: germline.
Comment: This sequence change creates a premature translational stop signal (p.Ile121Argfs*2) in the TBX20 gene. It is expected to result in an absent or disrupted protein product. Loss-of-function variants in TBX20 are known to be pathogenic (PMID: 15901664, 25625280, 26118961, 27510170). This variant is not present in population databases (gnomAD no frequency). This variant has not been reported in the literature in individuals affected with TBX20-related conditions. For these reasons, this variant has been classified as Pathogenic.

Literature cited by the submitters: PubMed 15901664; PubMed 25625280; PubMed 26118961; PubMed 27510170.

NM_001077653.2(TBX20):c.357_361dup (p.Ile121delinsArgTer)

Gene: TBX20 (T-box transcription factor 20; minus strand). Cytogenetic location: 7p14.2.
Variant type: Duplication.
Coding change: c.357_361dup on transcript NM_001077653.2 (MANE Select); coding-DNA positions 357 to 361, 5 bases duplicated (GATGA; older notation c.357_361dupGATGA).
Protein change: p.Ile121delinsArgTer.
Molecular consequence: nonsense.
Genome position (GRCh38, 1-based): chr7:35,249,970-35,249,974, TCATC duplicated on the plus strand (GATGA on the coding strand, the reverse complement: TBX20 is on the minus strand); duplicating any 5 consecutive bases within chr7:35,249,970-35,249,976 gives the same sequence; the c. name uses the placement nearest the transcript's 3' end. VCF-style (leftmost placement, unchanged base first): chr7-35249969-A-ATCATC. GRCh37 (hg19) VCF-style: chr7-35289581-A-ATCATC.
Other names: c.357_361dup, p.Ile121delinsArgTer (NM_001166220.1).
Identifiers: ClinVar variation 4716398 (VCV004716398.1).